The following is an entry in ClinVar:

NM_004539.4(NARS1):c.1369C>T (p.Arg457Cys)

Gene: NARS1 (asparaginyl-tRNA synthetase 1; minus strand). Cytogenetic location: 18q21.31.
Variant type: single nucleotide variant.
Coding change: c.1369C>T on transcript NM_004539.4 (MANE Select); coding-DNA position 1369, C replaced by T.
Protein change: p.Arg457Cys; replaces arginine 457 with cysteine.
Molecular consequence: missense variant.
Genome position (GRCh38, 1-based): chr18:57,602,826, G>A on the plus strand (C>T on the coding strand, the complement: NARS1 is on the minus strand). VCF-style: chr18-57602826-G-A. GRCh37 (hg19) VCF-style: chr18-55270058-G-A.
Other names: short protein forms R457C.
Identifiers: ClinVar variation 3025315 (VCV003025315.22), dbSNP rs1395769133, ClinGen allele CA402543979.
Genomic context (GRCh38, chr18:57,602,826, plus strand): 5'-CCCTTAAAAAGCAAAATTATTAATACTCTTTGAAACAGAAACTGACAGATTCAGTAAGAC[G>A]GGAATCCTCAGGACATCGCTGCATGTAGAAGGACTTGATCTCCACAGGAAATCGACACAG-3'
Protein context (NP_004530.1, residues 447-467): FYMQRCPEDS[Arg457Cys]LTESVDVLMP

ClinVar aggregate classification (germline): Uncertain significance (1 of 4 stars; one submission).

Allele frequency attached by ClinVar (database versions not stated): gnomAD 0.00001; gnomAD exomes 0.00001.
gnomAD v4.1: 9 of 1,613,798 alleles (0.00056%); highest among the groups gnomAD compares: African/African-American, 0.0027%; no homozygotes.

Submission:

CeGaT Center for Human Genetics Tuebingen
Classification: Uncertain significance. Last evaluated: 2024-01-01. Review status: criteria provided, single submitter. Criteria: CeGaT Center For Human Genetics Tuebingen Variant Classification Criteria Version 2. Collection method: clinical testing. Allele origin: germline. Affected: yes. Observed: 1 variant allele.
Comment: NARS1: PM2